The following is an entry in ClinVar:

ClinVar aggregate classification (germline): Uncertain significance (1 of 4 stars; one submission).

Conditions:
Hereditary breast ovarian cancer syndrome. Also called: Hereditary breast and ovarian cancer; Hereditary breast and ovarian cancer syndrome; Breast and ovarian cancer; BRCA1- and BRCA2-Associated Hereditary Breast and Ovarian Cancer; Hereditary breast and ovarian cancer syndrome (HBOC); Hereditary breast and/or ovarian cancer syndrome. Identifiers: Orphanet 145, MedGen C0677776, MeSH D061325, MONDO:0003582. Disease mechanism: loss of function.

Allele frequency attached by ClinVar (database versions not stated): TOPMed below 0.00001.

Submission:

Labcorp Genetics (formerly Invitae), Labcorp
Classification: Uncertain significance for Hereditary breast ovarian cancer syndrome. Last evaluated: 2025-05-05. Review status: criteria provided, single submitter. Criteria: Invitae Variant Classification Sherloc (09022015). Collection method: clinical testing. Allele origin: germline.
Comment: This variant occurs in a non-coding region of the BRCA2 gene. It does not change the encoded amino acid sequence of the BRCA2 protein. This variant is not present in population databases (gnomAD no frequency). This variant has not been reported in the literature in individuals affected with BRCA2-related conditions. ClinVar contains an entry for this variant (Variation ID: 2752942). Algorithms developed to predict the effect of sequence changes on RNA splicing suggest that this variant is not likely to affect RNA splicing. In summary, the available evidence is currently insufficient to determine the role of this variant in disease. Therefore, it has been classified as a Variant of Uncertain Significance.

NM_000059.4(BRCA2):c.-39-5T>C

Gene: BRCA2 (BRCA2 DNA repair associated; plus strand). Cytogenetic location: 13q13.1.
Variant type: single nucleotide variant.
Coding change: c.-39-5T>C on transcript NM_000059.4 (MANE Select); 5 bases into the intron before 39 bases upstream of the start codon, T replaced by C.
Molecular consequence: intron variant.
Genome position (GRCh38, 1-based): chr13:32,316,417, T>C. VCF-style: chr13-32316417-T-C. GRCh37 (hg19) VCF-style: chr13-32890554-T-C.
Other names: c.-39-5T>C (NM_001406720.1, NM_001406719.1, NM_001406721.1); c.-303+750T>C (NM_001406722.1).
Identifiers: ClinVar variation 2752942 (VCV002752942.3), dbSNP rs2072259508, ClinGen allele CA2082775218.